The following is an entry in ClinVar:

NM_018417.6(ADCY10):c.1372C>T (p.Pro458Ser)

Genes: ADCY10 (adenylate cyclase 10; minus strand), DCAF6 (DDB1 and CUL4 associated factor 6; plus strand). Cytogenetic location: 1q24.2.
Variant type: single nucleotide variant.
Coding change: c.1372C>T on transcript NM_018417.6 (MANE Select); coding-DNA position 1372, C replaced by T.
Protein change: p.Pro458Ser; replaces proline 458 with serine.
Molecular consequence: missense variant.
Genome position (GRCh38, 1-based): chr1:167,878,480, G>A on the plus strand (C>T on the coding strand, the complement: ADCY10 is on the minus strand). VCF-style: chr1-167878480-G-A. GRCh37 (hg19) VCF-style: chr1-167847718-G-A.
Other names: c.913C>T, p.Pro305Ser (NM_001167749.3); c.1096C>T, p.Pro366Ser (NM_001297772.2); short protein forms P305S, P366S, P458S.
Identifiers: ClinVar variation 2343775 (VCV002343775.3), dbSNP rs746210625, ClinGen allele CA1227975.

ClinVar aggregate classification (germline): Uncertain significance. Review status: criteria provided, multiple submitters, no conflicts (2 of 4 stars). 2 submissions from 2 submitters: Uncertain significance (2). Last evaluated 2025-12-01.

Allele frequency attached by ClinVar (database versions not stated): TOPMed below 0.00001; gnomAD 0.00001; gnomAD exomes 0.00005; ExAC 0.00014.
gnomAD v4.1: 75 of 1,614,048 alleles (0.0046%); highest among the groups gnomAD compares: South Asian, 0.078%; 2 homozygotes.

Submissions (2):

Labcorp Genetics (formerly Invitae), Labcorp
Classification: Uncertain significance. Last evaluated: 2025-12-01. Review status: criteria provided, single submitter. Criteria: Invitae Variant Classification Sherloc (09022015). Collection method: clinical testing. Allele origin: germline.
Comment: This sequence change replaces proline, which is neutral and non-polar, with serine, which is neutral and polar, at codon 458 of the ADCY10 protein (p.Pro458Ser). This variant is present in population databases (rs746210625, gnomAD 0.1%), and has an allele count higher than expected for a pathogenic variant. This variant has not been reported in the literature in individuals affected with ADCY10-related conditions. ClinVar contains an entry for this variant (Variation ID: 2343775). An algorithm developed to predict the effect of missense changes on protein structure and function (PolyPhen-2) suggests that this variant is likely to be disruptive. In summary, the available evidence is currently insufficient to determine the role of this variant in disease. Therefore, it has been classified as a Variant of Uncertain Significance.

Ambry Genetics
Classification: Uncertain significance. Last evaluated: 2022-11-22. Review status: criteria provided, single submitter. Criteria: Ambry Variant Classification Scheme 2023. Collection method: clinical testing. Allele origin: germline.